The following is an entry in ClinVar:

ClinVar aggregate classification (germline): Benign. Review status: criteria provided, multiple submitters, no conflicts (2 of 4 stars). 4 submissions from 4 submitters: Benign (4). Last evaluated 2026-01-27.

Allele frequency attached by ClinVar (database versions not stated): ESP Exome Variant Server 0.02353; gnomAD exomes 0.00181 and 0.00486; ExAC 0.00622; gnomAD 0.01897 and 0.02049; 1000 Genomes Project 0.02017; 1000 Genomes Project 30x 0.02092; TOPMed 0.02154.
gnomAD v4.1: 5,619 of 1,614,048 alleles (0.35%); highest among the groups gnomAD compares: African/African-American, 6.6%; 195 homozygotes.

Submissions (4):

Labcorp Genetics (formerly Invitae), Labcorp
Classification: Benign. Last evaluated: 2026-01-27. Review status: criteria provided, single submitter. Criteria: Invitae Variant Classification Sherloc (09022015). Collection method: clinical testing. Allele origin: germline.

GeneDx
Classification: Benign. Last evaluated: 2018-02-08. Review status: criteria provided, single submitter. Criteria: GeneDx Variant Classification (06012015). Collection method: clinical testing. Allele origin: germline. Affected: yes.
Comment: This variant is considered likely benign or benign based on one or more of the following criteria: it is a conservative change, it occurs at a poorly conserved position in the protein, it is predicted to be benign by multiple in silico algorithms, and/or has population frequency not consistent with disease.

Laboratory for Molecular Medicine, Mass General Brigham Personalized Medicine
Classification: Benign. Last evaluated: 2012-05-07. Review status: criteria provided, single submitter. Criteria: LMM Criteria. Collection method: clinical testing. Allele origin: germline. Observed: 24 variant alleles.
Comment: Arg433Gln in Exon 07 of ILDR1: This variant is not expected to have clinical sig nificance because it has been identified in 6.9% (259/3738) of African American chromosomes from a broad population by the NHLBI Exome Sequencing Project (dbSNP rs35906279).

Breakthrough Genomics
Classification: Benign. Review status: criteria provided, single submitter. Criteria: ACMG Guidelines, 2015. Collection method: not provided. Allele origin: germline. Inheritance: Autosomal recessive inheritance. Affected: yes.

NM_001199799.2(ILDR1):c.1298G>A (p.Arg433Gln)

Gene: ILDR1 (immunoglobulin like domain containing receptor 1; minus strand). Cytogenetic location: 3q13.33.
Variant type: single nucleotide variant.
Coding change: c.1298G>A on transcript NM_001199799.2 (MANE Select); coding-DNA position 1298, G replaced by A.
Protein change: p.Arg433Gln; replaces arginine 433 with glutamine.
Molecular consequence: missense variant.
Genome position (GRCh38, 1-based): chr3:121,993,451, C>T on the plus strand (G>A on the coding strand, the complement: ILDR1 is on the minus strand). VCF-style: chr3-121993451-C-T. GRCh37 (hg19) VCF-style: chr3-121712298-C-T.
Other names: c.1031G>A, p.Arg344Gln (NM_001199800.2); c.1166G>A, p.Arg389Gln (NM_175924.4); short protein forms R433Q, R389Q, R344Q.
Identifiers: ClinVar variation 44138 (VCV000044138.15), dbSNP rs35906279, ClinGen allele CA133653.